The following is an entry in ClinVar:

NM_002017.5(FLI1):c.1280C>T (p.Thr427Met)

Gene: FLI1 (Fli-1 proto-oncogene, ETS transcription factor; plus strand). Cytogenetic location: 11q24.3.
Variant type: single nucleotide variant.
Coding change: c.1280C>T on transcript NM_002017.5 (MANE Select); coding-DNA position 1280, C replaced by T.
Protein change: p.Thr427Met; replaces threonine 427 with methionine.
Molecular consequence: missense variant.
Genome position (GRCh38, 1-based): chr11:128,810,909, C>T. VCF-style: chr11-128810909-C-T. GRCh37 (hg19) VCF-style: chr11-128680804-C-T.
Other names: c.1181C>T, p.Thr394Met (NM_001167681.3); c.1082C>T, p.Thr361Met (NM_001271010.2); c.701C>T, p.Thr234Met (NM_001271012.2); c.1280C>T (NM_002017.4); short protein forms T361M, T427M, T234M, T394M.
Identifiers: ClinVar variation 2886672 (VCV002886672.4), dbSNP rs531254948, ClinGen allele CA6357335.

ClinVar aggregate classification (germline): Uncertain significance. Review status: criteria provided, multiple submitters, no conflicts (2 of 4 stars). 2 submissions from 2 submitters: Uncertain significance (2). Last evaluated 2026-05-11.

Conditions:
FLI1-related disorder. Also called: FLI1-related condition.

Allele frequency attached by ClinVar (database versions not stated): ExAC 0.00007; 1000 Genomes Project 0.00020; 1000 Genomes Project 30x 0.00031.
gnomAD v4.1: 59 of 1,613,678 alleles (0.0037%); highest among the groups gnomAD compares: South Asian, 0.0077%; 1 homozygote.

Submissions (2):

PreventionGenetics, part of Exact Sciences
Classification: Uncertain significance for FLI1-related condition. Last evaluated: 2026-05-11. Review status: criteria provided, single submitter. Criteria: ACMG Guidelines, 2015. Collection method: clinical testing. Allele origin: germline.
Comment: The FLI1 c.1280C>T variant is predicted to result in the amino acid substitution p.Thr427Met. To our knowledge, this variant has not been reported in the literature. This variant is reported in 0.050% of alleles in individuals of Ashkenazi Jewish descent in gnomAD. At this time, the clinical significance of this variant is uncertain due to the absence of conclusive functional and genetic evidence.

Labcorp Genetics (formerly Invitae), Labcorp
Classification: Uncertain significance. Last evaluated: 2023-10-05. Review status: criteria provided, single submitter. Criteria: Invitae Variant Classification Sherloc (09022015). Collection method: clinical testing. Allele origin: germline.
Comment: This sequence change replaces threonine, which is neutral and polar, with methionine, which is neutral and non-polar, at codon 427 of the FLI1 protein (p.Thr427Met). This variant is present in population databases (rs531254948, gnomAD 0.04%). This variant has not been reported in the literature in individuals affected with FLI1-related conditions. Advanced modeling of protein sequence and biophysical properties (such as structural, functional, and spatial information, amino acid conservation, physicochemical variation, residue mobility, and thermodynamic stability) performed at Invitae indicates that this missense variant is not expected to disrupt FLI1 protein function. In summary, the available evidence is currently insufficient to determine the role of this variant in disease. Therefore, it has been classified as a Variant of Uncertain Significance.